The following is an entry in ClinVar:

ClinVar aggregate classification (germline): Conflicting classifications of pathogenicity. Review status: criteria provided, conflicting classifications (1 of 4 stars). 3 submissions from 3 submitters: Uncertain significance (1); Likely benign (2). Last evaluated 2026-05-01.

Conditions:
Coffin-Siris syndrome 1 (CSS1). Also called: ARID1B-Related Coffin-Siris Syndrome; Mental retardation, autosomal dominant 12. Identifiers: Orphanet 1465, MedGen C3281201, MONDO:0007617, OMIM 135900. Disease mechanism: gain of function.

Submissions (3):

CeGaT Center for Human Genetics Tuebingen
Classification: Likely benign. Last evaluated: 2026-05-01. Review status: criteria provided, single submitter. Criteria: CeGaT Center For Human Genetics Tuebingen Variant Classification Criteria Version 2. Collection method: clinical testing. Allele origin: germline. Affected: yes. Observed: 1 variant allele.
Comment: ARID1B: BP3, BS2

Labcorp Genetics (formerly Invitae), Labcorp
Classification: Likely benign. Last evaluated: 2023-12-06. Review status: criteria provided, single submitter. Criteria: Invitae Variant Classification Sherloc (09022015). Collection method: clinical testing. Allele origin: germline.

Revvity Omics, Revvity
Classification: Uncertain significance for Coffin-Siris syndrome 1. Last evaluated: 2022-08-01. Review status: criteria provided, single submitter. Criteria: ACMG Guidelines, 2015. Collection method: clinical testing. Allele origin: germline.

NM_001374828.1(ARID1B):c.1631_1639del (p.Gly544_Ala546del)

Gene: ARID1B (AT-rich interaction domain 1B; plus strand). Cytogenetic location: 6q25.3.
Variant type: Deletion.
Coding change: c.1631_1639del on transcript NM_001374828.1 (MANE Select); coding-DNA positions 1631 to 1639, 9 bases deleted (GGGCGGCGG; older notation c.1631_1639delGGGCGGCGG).
Protein change: p.Gly544_Ala546del.
Molecular consequence: inframe deletion.
Genome position (GRCh38, 1-based): chr6:156,779,311-156,779,319, GGGCGGCGG deleted; deleting any 9 consecutive bases within chr6:156,779,303-156,779,319 gives the same sequence; the c. name uses the placement nearest the transcript's 3' end. VCF-style (leftmost placement, unchanged base first): chr6-156779302-CGGCGGCGGG-C. GRCh37 (hg19) VCF-style: chr6-157100436-CGGCGGCGGG-C.
Other names: c.1631_1639del, p.Gly544_Ala546del (NM_001371656.1, NM_001374820.1, NM_017519.3); c.1382_1390del (NM_020732.3).
Identifiers: ClinVar variation 2074544 (VCV002074544.8), dbSNP rs1392865152, ClinGen allele CA1675344128.